The following is an entry in ClinVar:

NM_152564.5(VPS13B):c.10018G>A (p.Ala3340Thr)

Gene: VPS13B (vacuolar protein sorting 13 homolog B; plus strand). Cytogenetic location: 8q22.2.
Variant type: single nucleotide variant.
Coding change: c.10018G>A on transcript NM_152564.5 (MANE Select); coding-DNA position 10018, G replaced by A.
Protein change: p.Ala3340Thr; replaces alanine 3340 with threonine.
Molecular consequence: missense variant.
Genome position (GRCh38, 1-based): chr8:99,848,851, G>A. VCF-style: chr8-99848851-G-A. GRCh37 (hg19) VCF-style: chr8-100861079-G-A.
Other names: c.10093G>A, p.Ala3365Thr (NM_017890.5); short protein forms A3340T, A3365T.
Identifiers: ClinVar variation 1004346 (VCV001004346.8), dbSNP rs1816114703, ClinGen allele CA371779724.

ClinVar aggregate classification (germline): Uncertain significance (1 of 4 stars; one submission).

Conditions:
Cohen syndrome (COH1). Also called: PEPPER SYNDROME; Cutis verticis gyrata, retinitis pigmentosa, and sensorineural deafness. Identifiers: Orphanet 193, MedGen C0265223, MONDO:0008999, OMIM 216550.

Submission:

Labcorp Genetics (formerly Invitae), Labcorp
Classification: Uncertain significance for Cohen syndrome. Last evaluated: 2022-08-23. Review status: criteria provided, single submitter. Criteria: Invitae Variant Classification Sherloc (09022015). Collection method: clinical testing. Allele origin: germline.
Comment: In summary, the available evidence is currently insufficient to determine the role of this variant in disease. Therefore, it has been classified as a Variant of Uncertain Significance. Algorithms developed to predict the effect of missense changes on protein structure and function output the following: SIFT: "Not Available"; PolyPhen-2: "Benign"; Align-GVGD: "Not Available". The threonine amino acid residue is found in multiple mammalian species, which suggests that this missense change does not adversely affect protein function. ClinVar contains an entry for this variant (Variation ID: 1004346). This variant has not been reported in the literature in individuals affected with VPS13B-related conditions. This variant is not present in population databases (gnomAD no frequency). This sequence change replaces alanine, which is neutral and non-polar, with threonine, which is neutral and polar, at codon 3365 of the VPS13B protein (p.Ala3365Thr).